The following is an entry in ClinVar:

NM_206933.4(USH2A):c.725T>C (p.Leu242Pro)

Gene: USH2A (usherin; minus strand). Cytogenetic location: 1q41.
Variant type: single nucleotide variant.
Coding change: c.725T>C on transcript NM_206933.4 (MANE Select); coding-DNA position 725, T replaced by C.
Protein change: p.Leu242Pro; replaces leucine 242 with proline.
Molecular consequence: missense variant.
Genome position (GRCh38, 1-based): chr1:216,365,012, A>G on the plus strand (T>C on the coding strand, the complement: USH2A is on the minus strand). VCF-style: chr1-216365012-A-G. GRCh37 (hg19) VCF-style: chr1-216538354-A-G.
Other names: c.725T>C, p.Leu242Pro (NM_007123.6); short protein forms L242P.
Identifiers: ClinVar variation 1021582 (VCV001021582.10), dbSNP rs1263555097, ClinGen allele CA344908059.
Genomic context (GRCh38, chr1:216,365,012, plus strand): 5'-CCATTTAAACTCTGTCCTATTTGCACAGTACCAGATGCAAAATCTGTAATTGAACCACTT[A>G]GAGTTCTTGCATTGAAAGGTGTATGATCCTTCTCCACGCCATTGATAAAGAAGCTGATTT-3'
Protein context (NP_996816.3, residues 232-252): KDHTPFNART[Leu242Pro]SGSITDFASG

ClinVar aggregate classification (germline): Uncertain significance (1 of 4 stars; one submission).

Submission:

Labcorp Genetics (formerly Invitae), Labcorp
Classification: Uncertain significance. Last evaluated: 2022-03-03. Review status: criteria provided, single submitter. Criteria: Invitae Variant Classification Sherloc (09022015). Collection method: clinical testing. Allele origin: germline.
Comment: This missense change has been observed in individual(s) with clinical features of USH2A-related conditions (Invitae). This variant is not present in population databases (gnomAD no frequency). This sequence change replaces leucine, which is neutral and non-polar, with proline, which is neutral and non-polar, at codon 242 of the USH2A protein (p.Leu242Pro). ClinVar contains an entry for this variant (Variation ID: 1021582). In summary, the available evidence is currently insufficient to determine the role of this variant in disease. Therefore, it has been classified as a Variant of Uncertain Significance. Algorithms developed to predict the effect of missense changes on protein structure and function are either unavailable or do not agree on the potential impact of this missense change (SIFT: "Deleterious"; PolyPhen-2: "Possibly Damaging"; Align-GVGD: "Class C0").